The following is an entry in ClinVar:

ClinVar aggregate classification (germline): Likely benign (0 of 4 stars; one submission).

Conditions:
MAP4-related disorder. Also called: MAP4-related condition.

Allele frequency attached by ClinVar (database versions not stated): 1000 Genomes Project 0.00060; 1000 Genomes Project 30x 0.00078; ExAC 0.00079; TOPMed 0.00097; gnomAD 0.00102; gnomAD exomes 0.00123.
gnomAD v4.1: 1,958 of 1,614,116 alleles (0.12%); highest among the groups gnomAD compares: Admixed American, 0.21%; 1 homozygote.

Submission:

PreventionGenetics, part of Exact Sciences
Classification: Likely benign for MAP4-related condition. Last evaluated: 2019-07-25. Review status: no assertion criteria provided. Collection method: clinical testing. Allele origin: germline.
Comment: This variant is classified as likely benign based on ACMG/AMP sequence variant interpretation guidelines (Richards et al. 2015 PMID: 25741868, with internal and published modifications).

NM_001385682.1(MAP4):c.6369C>T (p.Ala2123=)

Gene: MAP4 (microtubule associated protein 4; minus strand). Cytogenetic location: 3p21.31.
Variant type: single nucleotide variant.
Coding change: c.6369C>T on transcript NM_001385682.1 (MANE Select); coding-DNA position 6369, C replaced by T.
Protein change: p.Ala2123=; no amino-acid change (alanine 2123 retained).
Molecular consequence: synonymous variant. On other transcripts: intron variant (69).
Genome position (GRCh38, 1-based): chr3:47,869,253, G>A on the plus strand (C>T on the coding strand, the complement: MAP4 is on the minus strand). VCF-style: chr3-47869253-G-A. GRCh37 (hg19) VCF-style: chr3-47910743-G-A.
Other names: c.2934C>T, p.Ala978= (NM_001134364.2, NM_001384729.1, NM_001384754.1 and 5 more transcripts); c.2889C>T, p.Ala963= (NM_001384676.1, NM_001384756.1, NM_001384774.1); c.2940C>T, p.Ala980= (NM_001384679.1, NM_001384731.1); c.2628C>T, p.Ala876= (NM_001384680.1); c.2811C>T, p.Ala937= (NM_001384681.1, NM_001384836.1, NM_001384868.1); c.2736C>T, p.Ala912= (NM_001384707.1, NM_001384850.1); c.2865C>T, p.Ala955= (NM_001384730.1, NM_001384777.1, NM_001384816.1); c.2985C>T, p.Ala995= (NM_001384736.1, NM_001384788.1, NM_001385686.1); and 68 more.
Identifiers: ClinVar variation 3043041 (VCV003043041.2), dbSNP rs191007398, ClinGen allele CA2370693.
Genomic context (GRCh38, chr3:47,869,253, plus strand): 5'-GTGGGTCTAAATAAAACTCACTTTCCCCGCAGGTTGTTTCTGTGCACTTGCAATTGGGCC[G>A]GCTGTTTTAGTGACTGCATTAGATTCAGGCTTTCGGGTTGTAGCAGCTGCCTCTGTTTTT-3'
Protein context (NP_001372611.1, residues 2113-2133): KPESNAVTKT[Ala2123=]GPIASAQKQP